The following is an entry in ClinVar:

ClinVar aggregate classification (germline): Uncertain significance (1 of 4 stars; one submission).

Conditions:
Primary ciliary dyskinesia. Also called: Ciliary dyskinesia. Identifiers: Orphanet 244, MedGen C0008780, MONDO:0016575, HP:0012265.

Submission:

Labcorp Genetics (formerly Invitae), Labcorp
Classification: Uncertain significance for Primary ciliary dyskinesia. Last evaluated: 2022-06-27. Review status: criteria provided, single submitter. Criteria: Invitae Variant Classification Sherloc (09022015). Collection method: clinical testing. Allele origin: germline.
Comment: In summary, the available evidence is currently insufficient to determine the role of this variant in disease. Therefore, it has been classified as a Variant of Uncertain Significance. Algorithms developed to predict the effect of missense changes on protein structure and function are either unavailable or do not agree on the potential impact of this missense change (SIFT: "Tolerated"; PolyPhen-2: "Probably Damaging"; Align-GVGD: "Class C0"). This variant has not been reported in the literature in individuals affected with RSPH4A-related conditions. This variant is not present in population databases (gnomAD no frequency). This sequence change replaces arginine, which is basic and polar, with lysine, which is basic and polar, at codon 423 of the RSPH4A protein (p.Arg423Lys).

NM_001010892.3(RSPH4A):c.1268G>A (p.Arg423Lys)

Gene: RSPH4A (radial spoke head component 4A; plus strand). Cytogenetic location: 6q22.1.
Variant type: single nucleotide variant.
Coding change: c.1268G>A on transcript NM_001010892.3 (MANE Select); coding-DNA position 1268, G replaced by A.
Protein change: p.Arg423Lys; replaces arginine 423 with lysine.
Molecular consequence: missense variant.
Genome position (GRCh38, 1-based): chr6:116,627,975, G>A. VCF-style: chr6-116627975-G-A. GRCh37 (hg19) VCF-style: chr6-116949138-G-A.
Other names: c.1268G>A, p.Arg423Lys (NM_001161664.2); short protein forms R423K.
Identifiers: ClinVar variation 1372423 (VCV001372423.6), dbSNP rs2115361973, ClinGen allele CA365405163.